The following is an entry in ClinVar:

ClinVar aggregate classification (germline): Uncertain significance. Review status: criteria provided, multiple submitters, no conflicts (2 of 4 stars). 2 submissions from 2 submitters: Uncertain significance (2). Last evaluated 2023-08-03.

Conditions:
Hereditary nonpolyposis colorectal neoplasms. Identifiers: MedGen C0009405, MeSH D003123.
Hereditary cancer-predisposing syndrome. Also called: Neoplastic Syndromes, Hereditary; Tumor predisposition; Hereditary Cancer Syndrome; Hereditary neoplastic syndrome. Identifiers: Orphanet 140162, MedGen C0027672, MeSH D009386, MONDO:0015356.

Allele frequency attached by ClinVar (database versions not stated): TOPMed below 0.00001; gnomAD 0.00001.
gnomAD v4.1: 1 of 1,614,100 alleles (0.000062%); highest among the groups gnomAD compares: Non-Finnish European, 0.000085%; no homozygotes.

Submissions (2):

Labcorp Genetics (formerly Invitae), Labcorp
Classification: Uncertain significance for Hereditary nonpolyposis colorectal neoplasms. Last evaluated: 2023-08-03. Review status: criteria provided, single submitter. Criteria: Invitae Variant Classification Sherloc (09022015). Collection method: clinical testing. Allele origin: germline.
Comment: In summary, the available evidence is currently insufficient to determine the role of this variant in disease. Therefore, it has been classified as a Variant of Uncertain Significance. This variant disrupts the p.Leu585 amino acid residue in MSH6. Other variant(s) that disrupt this residue have been determined to be pathogenic (PMID: 22581703, 23773459, 25617771, 30877237). This suggests that this residue is clinically significant, and that variants that disrupt this residue are likely to be disease-causing. Advanced modeling of protein sequence and biophysical properties (such as structural, functional, and spatial information, amino acid conservation, physicochemical variation, residue mobility, and thermodynamic stability) has been performed at Invitae for this missense variant, however the output from this modeling did not meet the statistical confidence thresholds required to predict the impact of this variant on MSH6 protein function. ClinVar contains an entry for this variant (Variation ID: 1779451). This variant has not been reported in the literature in individuals affected with MSH6-related conditions. This variant is not present in population databases (gnomAD no frequency). This sequence change replaces leucine, which is neutral and non-polar, with glutamine, which is neutral and polar, at codon 585 of the MSH6 protein (p.Leu585Gln).

Ambry Genetics
Classification: Uncertain significance for Hereditary cancer-predisposing syndrome. Last evaluated: 2020-04-02. Review status: criteria provided, single submitter. Criteria: Ambry Variant Classification Scheme 2023. Collection method: clinical testing. Allele origin: germline.
Comment: The p.L585Q variant (also known as c.1754T>A), located in coding exon 4 of the MSH6 gene, results from a T to A substitution at nucleotide position 1754. The leucine at codon 585 is replaced by glutamine, an amino acid with dissimilar properties. Based on internal structural analysis, L585Q is deleterious. The variant is moderately destabilizing to the local structure. The variant is buried. The variant has nearby pathogenic variants and has no nearby benign variants, and is more destabilizing than remote variants (Warren JJ et al. Mol. Cell, 2007 May;26:579-92). This amino acid position is highly conserved in available vertebrate species. In addition, this alteration is predicted to be deleterious by in silico analysis. Since supporting evidence is limited at this time, the clinical significance of this alteration remains unclear.

Literature cited by the submitters: PubMed 22581703 (cited by Labcorp Genetics (formerly Invitae), Labcorp); PubMed 23773459 (cited by Labcorp Genetics (formerly Invitae), Labcorp); PubMed 25617771 (cited by Labcorp Genetics (formerly Invitae), Labcorp); PubMed 30877237 (cited by Labcorp Genetics (formerly Invitae), Labcorp); PubMed 17531815 (cited by Ambry Genetics).

NM_000179.3(MSH6):c.1754T>A (p.Leu585Gln)

Gene: MSH6 (mutS homolog 6; plus strand). Cytogenetic location: 2p16.3.
Variant type: single nucleotide variant.
Coding change: c.1754T>A on transcript NM_000179.3 (MANE Select); coding-DNA position 1754, T replaced by A.
Protein change: p.Leu585Gln; replaces leucine 585 with glutamine.
Molecular consequence: missense variant.
Genome position (GRCh38, 1-based): chr2:47,799,737, T>A. VCF-style: chr2-47799737-T-A. GRCh37 (hg19) VCF-style: chr2-48026876-T-A.
Other names: c.1364T>A, p.Leu455Gln (NM_001281492.2); c.848T>A, p.Leu283Gln (NM_001281493.2, NM_001281494.2, NM_001406811.1 and 6 more transcripts); c.1850T>A, p.Leu617Gln (NM_001406795.1, NM_001406802.1); c.1754T>A, p.Leu585Gln (NM_001406796.1, NM_001406798.1, NM_001406800.1 and 3 more transcripts); c.1457T>A, p.Leu486Gln (NM_001406797.1, NM_001406801.1, NM_001406805.1 and 10 more transcripts); c.1229T>A, p.Leu410Gln (NM_001406799.1, NM_001406806.1, NM_001406807.1); c.1676T>A, p.Leu559Gln (NM_001406804.1); c.1760T>A, p.Leu587Gln (NM_001406813.1); and 1 more; short protein forms L486Q, L559Q, L617Q, L410Q, L455Q, L585Q, L587Q, L283Q.
Identifiers: ClinVar variation 1779451 (VCV001779451.5), dbSNP rs587779220, ClinGen allele CA346748975.